The following is an entry in ClinVar:

ClinVar aggregate classification (germline): Uncertain significance (1 of 4 stars; one submission).

Submission:

Labcorp Genetics (formerly Invitae), Labcorp
Classification: Uncertain significance. Last evaluated: 2025-09-15. Review status: criteria provided, single submitter. Criteria: Invitae Variant Classification Sherloc (09022015). Collection method: clinical testing. Allele origin: germline.
Comment: This variant, c.2106_2114del, results in the deletion of 3 amino acid(s) of the SKIV2L protein (p.Ala704_Arg706del), but otherwise preserves the integrity of the reading frame. This variant is present in population databases (rs748846790, gnomAD 0.0009%). This variant has not been reported in the literature in individuals affected with SKIV2L-related conditions. ClinVar contains an entry for this variant (Variation ID: 1960081). Experimental studies and prediction algorithms are not available or were not evaluated, and the functional significance of this variant is currently unknown. In summary, the available evidence is currently insufficient to determine the role of this variant in disease. Therefore, it has been classified as a Variant of Uncertain Significance.

NM_006929.5(SKIC2):c.2106_2114del (p.701AGR[1])

Gene: SKIC2 (SKI2 subunit of superkiller complex; plus strand). Cytogenetic location: 6p21.33.
Variant type: Deletion.
Coding change: c.2106_2114del on transcript NM_006929.5 (MANE Select); coding-DNA positions 2106 to 2114, 9 bases deleted (CCGGGCAGG; older notation c.2106_2114delCCGGGCAGG).
Protein change: p.701AGR[1].
Molecular consequence: inframe deletion.
Genome position (GRCh38, 1-based): chr6:31,965,917-31,965,925, CCGGGCAGG deleted; deleting any 9 consecutive bases within chr6:31,965,911-31,965,925 gives the same sequence; the c. name uses the placement nearest the transcript's 3' end. VCF-style (leftmost placement, unchanged base first): chr6-31965910-TGGCAGGCCG-T. GRCh37 (hg19) VCF-style: chr6-31933687-TGGCAGGCCG-T.
Identifiers: ClinVar variation 1960081 (VCV001960081.5), dbSNP rs748846790, ClinGen allele CA3729684.
Genomic context (GRCh38, chr6:31,965,910, plus strand): 5'-CCATGCGCAAACACGATGGCTCCACCTTCCGGGACCTGCTCCCTGGGGAGTATGTGCAGA[TGGCAGGCCG>T]GGCAGGGCGGAGGGGCCTGGACCCCACAGGCACCGTTATCCTGCTCTGCAAGGGCCGAGT-3'